The following is an entry in ClinVar:

NM_000503.6(EYA1):c.1199+4A>C

Gene: EYA1 (EYA transcriptional coactivator and phosphatase 1; minus strand). Cytogenetic location: 8q13.3.
Variant type: single nucleotide variant.
Coding change: c.1199+4A>C on transcript NM_000503.6 (MANE Select); 4 bases into the intron after coding-DNA position 1199, A replaced by C.
Molecular consequence: intron variant.
Genome position (GRCh38, 1-based): chr8:71,216,961, T>G on the plus strand (A>C on the coding strand, the complement: EYA1 is on the minus strand). VCF-style: chr8-71216961-T-G. GRCh37 (hg19) VCF-style: chr8-72129196-T-G.
Other names: c.1178+4A>C (NM_001370336.1); c.1286+4A>C (NM_001370333.1); c.1199+4A>C (NM_001370335.1, NM_001370334.1, NM_172058.4); c.1181+4A>C (NM_172059.5, NM_001288574.2); c.1100+4A>C (NM_001411797.1, NM_172060.4); c.833+4A>C (NM_001288575.2).
Identifiers: ClinVar variation 4706898 (VCV004706898.1).

ClinVar aggregate classification (germline): Uncertain significance (1 of 4 stars; one submission).

Conditions:
Melnick-Fraser syndrome (BOR). Also called: Branchiootorenal syndrome; Branchio-oto-renal syndrome; Branchiootorenal Syndrome (BORS). Identifiers: Orphanet 107, MedGen C0265234, MONDO:0007029.

gnomAD v4.1: 1 of 1,613,372 alleles (0.000062%); highest among the groups gnomAD compares: Non-Finnish European, 0.000085%; no homozygotes.

Submission:

Labcorp Genetics (formerly Invitae), Labcorp
Classification: Uncertain significance for Melnick-Fraser syndrome. Last evaluated: 2025-11-13. Review status: criteria provided, single submitter. Criteria: Invitae Variant Classification Sherloc (09022015). Collection method: clinical testing. Allele origin: germline.
Comment: This sequence change falls in intron 13 of the EYA1 gene. It does not directly change the encoded amino acid sequence of the EYA1 protein. It affects a nucleotide within the consensus splice site. This variant is not present in population databases (gnomAD no frequency). This variant has not been reported in the literature in individuals affected with EYA1-related conditions. Variants that disrupt the consensus splice site are a relatively common cause of aberrant splicing (PMID: 17576681, 9536098). Algorithms developed to predict the effect of sequence changes on RNA splicing suggest that this variant is not likely to affect RNA splicing. In summary, the available evidence is currently insufficient to determine the role of this variant in disease. Therefore, it has been classified as a Variant of Uncertain Significance.

Literature cited by the submitters: PubMed 17576681; PubMed 9536098.